The following is an entry in ClinVar:

NM_138694.4(PKHD1):c.2936C>T (p.Thr979Ile)

Gene: PKHD1 (PKHD1 ciliary IPT domain containing fibrocystin/polyductin; minus strand). Cytogenetic location: 6p12.2.
Variant type: single nucleotide variant.
Coding change: c.2936C>T on transcript NM_138694.4 (MANE Select); coding-DNA position 2936, C replaced by T.
Protein change: p.Thr979Ile; replaces threonine 979 with isoleucine.
Molecular consequence: missense variant.
Genome position (GRCh38, 1-based): chr6:52,043,020, G>A on the plus strand (C>T on the coding strand, the complement: PKHD1 is on the minus strand). VCF-style: chr6-52043020-G-A. GRCh37 (hg19) VCF-style: chr6-51907818-G-A.
Other names: c.2936C>T, p.Thr979Ile (NM_170724.3); c.2936C>T (NM_170724.2); short protein forms T979I.
Identifiers: ClinVar variation 553118 (VCV000553118.22), dbSNP rs747895516, ClinGen allele CA3853073.

ClinVar aggregate classification (germline): Pathogenic/Likely pathogenic. Review status: criteria provided, multiple submitters, no conflicts (2 of 4 stars). 6 submissions from 6 submitters: Pathogenic (4); Likely pathogenic (1). 1 of the submissions does not count toward it. Last evaluated 2025-08-08.

Conditions:
PKHD1-related disorder. Also called: PKHD1-related condition.
Autosomal recessive polycystic kidney disease (ARPKD). Also called: AR polycystic kidney disease. Identifiers: Orphanet 731, Orphanet 8378, MedGen C0085548, MeSH D017044, MONDO:0009889.
Polycystic kidney disease 4 (PKD4). Also called: Autosomal Recessive Polycystic Kidney Disease – PKHD1; POLYCYSTIC KIDNEY AND HEPATIC DISEASE 1; POLYCYSTIC KIDNEY DISEASE, INFANTILE, TYPE I; PKD3; POLYCYSTIC KIDNEY DISEASE 4 WITH OR WITHOUT POLYCYSTIC LIVER DISEASE. Identifiers: MedGen C4540575, MONDO:0033004, OMIM 263200.

Allele frequency attached by ClinVar (database versions not stated): gnomAD 0.00001; ExAC 0.00002; gnomAD exomes 0.00002 and 0.00006; TOPMed 0.00002.
gnomAD v4.1: 89 of 1,613,920 alleles (0.0055%); highest among the groups gnomAD compares: Non-Finnish European, 0.0074%; 1 homozygote.

Submissions (6):

Natera, Inc.
Classification: Likely pathogenic for Autosomal recessive polycystic kidney disease. Last evaluated: 2025-08-08. Review status: criteria provided, single submitter. Criteria: Natera Variant Classification Schema (03/2026). Collection method: clinical testing. Allele origin: germline.
Comment: The c.2936C>T variant in PKHD1 is a missense variant predicted to cause substitution of threonine to isoleucine at amino acid 979. This variant is rare in the general population with a frequency below the threshold expected for the associated phenotype(s). This variant has been observed in one or more individuals affected with the associated recessive disease, as either homozygous or compound heterozygous with a second variant (PMID: 16133180, 32939031). Computational prediction algorithms indicate this variant is likely to affect gene or protein function. Given the available evidence, this variant is classified as Likely Pathogenic.

Victorian Clinical Genetics Services, Murdoch Childrens Research Institute
Classification: Pathogenic for Polycystic kidney disease 4. Last evaluated: 2025-04-29. Review status: criteria provided, single submitter. Criteria: ACMG Guidelines, 2015. Collection method: clinical testing. Allele origin: germline. Affected: yes.
Comment: This variant is classified as Pathogenic. Evidence in support of pathogenic classification: Variant is present in gnomAD <0.01 for a recessive condition (v4: 87 heterozygote(s), 1 homozygote(s)); This variant has strong previous evidence of pathogenicity in unrelated individuals. This variant has been classified as pathogenic by clinical laboratories (ClinVar). This variant has been observed in individuals with autosomal recessive polycystic kidney disease (PMIDs: 16133180, 16523049). Additional information: Variant is predicted to result in a missense amino acid change from threonine to isoleucine; This variant is heterozygous; This gene is associated with autosomal recessive disease; however, there are emerging reports of individuals with heterozygous variants in PKHD1 developing liver cysts and nephrocalcinosis (PMID: 21945273, 36691356); Alternative amino acid change(s) at the same position are present in gnomAD (Highest allele count: v4: 1 heterozygote(s), 0 homozygote(s)); No published segregation evidence has been identified for this variant; No published functional evidence has been identified for this variant; No comparable missense variants have previous evidence for pathogenicity; Variant is located in the annotated IPT/TIG domain (DECIPHER); Missense variant with inconclusive in silico prediction and uninformative conservation; Loss of function is a known mechanism of disease in this gene and is associated with polycystic kidney disease 4, with or without hepatic disease (MIM#263200); Variants in this gene are known to have variable expressivity. Significant intrafamilial variability has been reported (PMID: 20301501); Inheritance information for this variant is not currently available in this individual.

Labcorp Genetics (formerly Invitae), Labcorp
Classification: Pathogenic for Autosomal recessive polycystic kidney disease. Last evaluated: 2024-11-18. Review status: criteria provided, single submitter. Criteria: Invitae Variant Classification Sherloc (09022015). Collection method: clinical testing. Allele origin: germline.
Comment: This sequence change replaces threonine, which is neutral and polar, with isoleucine, which is neutral and non-polar, at codon 979 of the PKHD1 protein (p.Thr979Ile). This variant is present in population databases (rs747895516, gnomAD 0.004%). This missense change has been observed in individuals with autosomal recessive polycystic kidney disease (PMID: 16133180, 16523049, 32939031). ClinVar contains an entry for this variant (Variation ID: 553118). Invitae Evidence Modeling of protein sequence and biophysical properties (such as structural, functional, and spatial information, amino acid conservation, physicochemical variation, residue mobility, and thermodynamic stability) indicates that this missense variant is expected to disrupt PKHD1 protein function with a positive predictive value of 95%. For these reasons, this variant has been classified as Pathogenic.

Blueprint Genetics
Classification: Pathogenic for PKHD1-related disorders. Last evaluated: 2024-09-24. Review status: criteria provided, single submitter. Criteria: ACMG Guidelines, 2015. Collection method: clinical testing. Allele origin: germline. Affected: yes. Observed: 4 variant alleles.

Baylor Genetics
Classification: Pathogenic for Polycystic kidney disease 4. Review status: criteria provided, single submitter. Criteria: ACMG Guidelines, 2015. Collection method: clinical testing. Allele origin: germline.

Counsyl
Classification: Uncertain significance for Polycystic kidney disease 4. Last evaluated: 2017-07-27. Review status: no assertion criteria provided. Collection method: clinical testing. Allele origin: unknown. Not counted in ClinVar's aggregate classification.

Literature cited by the submitters: PubMed 16133180 (cited by 4 submitters); PubMed 32939031 (cited by Natera, Inc. and Labcorp Genetics (formerly Invitae), Labcorp); PubMed 36691356 (cited by Victorian Clinical Genetics Services, Murdoch Childrens Research Institute); PubMed 20301501 (cited by Victorian Clinical Genetics Services, Murdoch Childrens Research Institute); PubMed 21945273 (cited by Victorian Clinical Genetics Services, Murdoch Childrens Research Institute); PubMed 16523049 (cited by 3 submitters).